The following is an entry in ClinVar:

ClinVar aggregate classification (germline): Conflicting classifications of pathogenicity. Review status: criteria provided, conflicting classifications (1 of 4 stars). 6 submissions from 6 submitters: Uncertain significance (3); Likely benign (3). Last evaluated 2026-05-09.

Conditions:
Cardiovascular phenotype. Identifiers: MedGen CN230736.
TTN-related disorder. Also called: TTN-related condition; TTN-related disease; TTN-related disorders.
Dilated cardiomyopathy 1G (CMD1G). Identifiers: Orphanet 154, MedGen C1858763, MONDO:0011400, OMIM 604145.
Autosomal recessive limb-girdle muscular dystrophy type 2J (LGMDR10). Also called: Limb-girdle muscular dystrophy, type 2J; MUSCULAR DYSTROPHY, LIMB-GIRDLE, AUTOSOMAL RECESSIVE 10. Identifiers: Orphanet 140922, MedGen C1837342, MONDO:0012127, OMIM 608807.

Allele frequency attached by ClinVar (database versions not stated): gnomAD 0.00001; gnomAD exomes 0.00001 and 0.00002; TOPMed 0.00002; ExAC 0.00003; ESP Exome Variant Server 0.00008.
gnomAD v4.1: 20 of 1,609,262 alleles (0.0012%); highest among the groups gnomAD compares: Middle Eastern, 0.016%; no homozygotes.

Submissions (6):

PreventionGenetics, part of Exact Sciences
Classification: Uncertain significance for TTN-related condition. Last evaluated: 2026-05-09. Review status: criteria provided, single submitter. Criteria: ACMG Guidelines, 2015. Collection method: clinical testing. Allele origin: germline.
Comment: The TTN c.43623G>A variant is not predicted to result in an amino acid change (p.=). This variant is predicted to alter splicing based on available splicing prediction programs (SpliceAI, Jaganathan et al. 2019. PubMed ID: 30661751). However, the use of computer prediction programs is not equivalent to functional evidence. To our knowledge, this variant has not been reported in the literature. This variant is reported in 0.0059% of alleles in individuals of Latino descent in gnomAD. At this time, the clinical significance of this variant is uncertain due to the absence of conclusive functional and genetic evidence.

Labcorp Genetics (formerly Invitae), Labcorp
Classification: Likely benign for Dilated cardiomyopathy 1G; Autosomal recessive limb-girdle muscular dystrophy type 2J. Last evaluated: 2025-11-10. Review status: criteria provided, single submitter. Criteria: Invitae Variant Classification Sherloc (09022015). Collection method: clinical testing. Allele origin: germline.

Blueprint Genetics
Classification: Likely benign. Last evaluated: 2024-06-18. Review status: criteria provided, single submitter. Criteria: ACMG Guidelines, 2015. Collection method: clinical testing. Allele origin: germline.

GeneDx
Classification: Uncertain significance. Last evaluated: 2024-05-02. Review status: criteria provided, single submitter. Criteria: GeneDx Variant Classification Process June 2021. Collection method: clinical testing. Allele origin: germline. Affected: yes.
Comment: Not observed at significant frequency in large population cohorts (gnomAD); In silico analysis supports a deleterious effect on splicing; Has not been previously published as pathogenic or benign to our knowledge

Ambry Genetics
Classification: Likely benign for Cardiovascular phenotype. Last evaluated: 2021-04-28. Review status: criteria provided, single submitter. Criteria: Ambry Variant Classification Scheme 2023. Collection method: clinical testing. Allele origin: germline.

Eurofins Ntd Llc (ga)
Classification: Uncertain significance. Last evaluated: 2013-12-18. Review status: criteria provided, single submitter. Criteria: EGL Classification Definitions 2015. Collection method: clinical testing. Allele origin: germline. Observed: 1 variant allele, 1 heterozygote.

NM_001267550.2(TTN):c.43623G>A (p.Ser14541=)

Gene: TTN (titin; minus strand). Cytogenetic location: 2q31.2.
Variant type: single nucleotide variant.
Coding change: c.43623G>A on transcript NM_001267550.2 (MANE Select); coding-DNA position 43623, G replaced by A.
Protein change: p.Ser14541=; no amino-acid change (serine 14541 retained).
Molecular consequence: synonymous variant.
Genome position (GRCh38, 1-based): chr2:178,632,271, C>T on the plus strand (G>A on the coding strand, the complement: TTN is on the minus strand). VCF-style: chr2-178632271-C-T. GRCh37 (hg19) VCF-style: chr2-179496998-C-T.
Other names: c.38700G>A, p.Ser12900= (NM_001256850.1); c.16428G>A, p.Ser5476= (NM_003319.4); c.35919G>A, p.Ser11973= (NM_133378.4); c.16803G>A, p.Ser5601= (NM_133432.3); c.17004G>A, p.Ser5668= (NM_133437.4); c.43623G>A (NM_001267550.1).
Identifiers: ClinVar variation 167785 (VCV000167785.20), dbSNP rs369434563, ClinGen allele CA235120.